The following is an entry in ClinVar:

ClinVar aggregate classification (germline): Uncertain significance (1 of 4 stars; one submission).

gnomAD v4.1: 3 of 1,434,334 alleles (0.00021%); highest among the groups gnomAD compares: South Asian, 0.0015%; no homozygotes.

Submission:

Labcorp Genetics (formerly Invitae), Labcorp
Classification: Uncertain significance. Last evaluated: 2023-06-23. Review status: criteria provided, single submitter. Criteria: Invitae Variant Classification Sherloc (09022015). Collection method: clinical testing. Allele origin: germline.
Comment: In summary, the available evidence is currently insufficient to determine the role of this variant in disease. Therefore, it has been classified as a Variant of Uncertain Significance. Algorithms developed to predict the effect of missense changes on protein structure and function output the following: SIFT: "Not Available"; PolyPhen-2: "Benign"; Align-GVGD: "Not Available". The methionine amino acid residue is found in multiple mammalian species, which suggests that this missense change does not adversely affect protein function. ClinVar contains an entry for this variant (Variation ID: 1060807). This variant has not been reported in the literature in individuals affected with CPOX-related conditions. This variant is not present in population databases (gnomAD no frequency). This sequence change replaces leucine, which is neutral and non-polar, with methionine, which is neutral and non-polar, at codon 62 of the CPOX protein (p.Leu62Met).

NM_000097.7(CPOX):c.184C>A (p.Leu62Met)

Genes: CPOX (coproporphyrinogen oxidase; minus strand), LOC129937121 (ATAC-STARR-seq lymphoblastoid silent region 14560; plus strand). Cytogenetic location: 3q11.2.
Variant type: single nucleotide variant.
Coding change: c.184C>A on transcript NM_000097.7 (MANE Select); coding-DNA position 184, C replaced by A.
Protein change: p.Leu62Met; replaces leucine 62 with methionine.
Molecular consequence: missense variant.
Genome position (GRCh38, 1-based): chr3:98,593,321, G>T on the plus strand (C>A on the coding strand, the complement: CPOX is on the minus strand). VCF-style: chr3-98593321-G-T. GRCh37 (hg19) VCF-style: chr3-98312165-G-T.
Other names: short protein forms L62M.
Identifiers: ClinVar variation 1060807 (VCV001060807.5), dbSNP rs541089894, ClinGen allele CA80083864.